The following is an entry in ClinVar:

NM_001943.5(DSG2):c.1310G>A (p.Trp437Ter)

Gene: DSG2 (desmoglein 2; plus strand). Cytogenetic location: 18q12.1.
Variant type: single nucleotide variant.
Coding change: c.1310G>A on transcript NM_001943.5 (MANE Select); coding-DNA position 1310, G replaced by A.
Protein change: p.Trp437Ter; replaces tryptophan 437 with a stop codon.
Molecular consequence: nonsense.
Genome position (GRCh38, 1-based): chr18:31,535,299, G>A. VCF-style: chr18-31535299-G-A. GRCh37 (hg19) VCF-style: chr18-29115262-G-A.
Other names: short protein forms W437*.
Identifiers: ClinVar variation 3386584 (VCV003386584.1).

ClinVar aggregate classification (germline): Uncertain significance (1 of 4 stars; one submission).

Conditions:
Arrhythmogenic right ventricular cardiomyopathy (ARVD). Also called: Arrhythmogenic right ventricular dysplasia; Cardiomyopathy, ARVC; Arrhythmogenic cardiomyopathy; Arrhythmogenic Right Ventricular Cardiomyopathy (ARVC). Identifiers: Orphanet 247, MedGen C0349788, MeSH D019571, MONDO:0016587. Disease mechanism: loss of function. Inheritance: Various modes of inheritance.

Submission:

All of Us Research Program, National Institutes of Health
Classification: Uncertain significance for Arrhythmogenic right ventricular cardiomyopathy. Last evaluated: 2024-08-07. Review status: criteria provided, single submitter. Criteria: ACMG Guidelines, 2015. Collection method: clinical testing. Allele origin: germline. Inheritance: Autosomal dominant inheritance. Observed: 1 variant allele, 1 heterozygote.
Comment: This study involves interpretation of variants in research participants for the purpose of population health screening. Participant phenotype was not available at the time of variant classification. Additional details can be found in publication PMID: 35346344, PMCID: PMC8962531